The following is an entry in ClinVar:

ClinVar aggregate classification (germline): Uncertain significance (1 of 4 stars; one submission).

Submission:

Labcorp Genetics (formerly Invitae), Labcorp
Classification: Uncertain significance. Last evaluated: 2024-05-02. Review status: criteria provided, single submitter. Criteria: Invitae Variant Classification Sherloc (09022015). Collection method: clinical testing. Allele origin: germline.
Comment: This sequence change replaces isoleucine, which is neutral and non-polar, with threonine, which is neutral and polar, at codon 740 of the CACNA1F protein (p.Ile740Thr). This variant is not present in population databases (gnomAD no frequency). This variant has not been reported in the literature in individuals affected with CACNA1F-related conditions. ClinVar contains an entry for this variant (Variation ID: 1913879). Advanced modeling of protein sequence and biophysical properties (such as structural, functional, and spatial information, amino acid conservation, physicochemical variation, residue mobility, and thermodynamic stability) performed at Invitae indicates that this missense variant is not expected to disrupt CACNA1F protein function with a negative predictive value of 80%. In summary, the available evidence is currently insufficient to determine the role of this variant in disease. Therefore, it has been classified as a Variant of Uncertain Significance.

NM_001256789.3(CACNA1F):c.2186T>C (p.Ile729Thr)

Gene: CACNA1F (calcium voltage-gated channel subunit alpha1 F; minus strand). Cytogenetic location: Xp11.23.
Variant type: single nucleotide variant.
Coding change: c.2186T>C on transcript NM_001256789.3 (MANE Select); coding-DNA position 2186, T replaced by C.
Protein change: p.Ile729Thr; replaces isoleucine 729 with threonine.
Molecular consequence: missense variant.
Genome position (GRCh38, 1-based): chrX:49,222,738, A>G on the plus strand (T>C on the coding strand, the complement: CACNA1F is on the minus strand). VCF-style: chrX-49222738-A-G. GRCh37 (hg19) VCF-style: chrX-49079197-A-G.
Other names: c.2024T>C, p.Ile675Thr (NM_001256790.3); c.2219T>C, p.Ile740Thr (NM_005183.4); short protein forms I675T, I729T, I740T.
Identifiers: ClinVar variation 1913879 (VCV001913879.5), dbSNP rs2520963859, ClinGen allele CA412910317.